The following is an entry in ClinVar:

NM_000051.4(ATM):c.133C>G (p.Arg45Gly)

Gene: ATM (ATM serine/threonine kinase; plus strand). Cytogenetic location: 11q22.3.
Variant type: single nucleotide variant.
Coding change: c.133C>G on transcript NM_000051.4 (MANE Select); coding-DNA position 133, C replaced by G.
Protein change: p.Arg45Gly; replaces arginine 45 with glycine.
Molecular consequence: missense variant.
Genome position (GRCh38, 1-based): chr11:108,227,836, C>G. VCF-style: chr11-108227836-C-G. GRCh37 (hg19) VCF-style: chr11-108098563-C-G.
Other names: c.133C>G, p.Arg45Gly (NM_001351834.2, NM_001351835.2, NM_001351836.2); short protein forms R45G.
Identifiers: ClinVar variation 3967131 (VCV003967131.1).

ClinVar aggregate classification (germline): Uncertain significance (1 of 4 stars; one submission).

Conditions:
Hereditary cancer-predisposing syndrome. Also called: Tumor predisposition; Hereditary neoplastic syndrome; Hereditary Cancer Syndrome; Neoplastic Syndromes, Hereditary. Identifiers: Orphanet 140162, MedGen C0027672, MeSH D009386, MONDO:0015356.

Submission:

Ambry Genetics
Classification: Uncertain significance for Hereditary cancer-predisposing syndrome. Last evaluated: 2025-05-20. Review status: criteria provided, single submitter. Criteria: Ambry Variant Classification Scheme 2023. Collection method: clinical testing. Allele origin: germline.
Comment: The p.R45G variant (also known as c.133C>G), located in coding exon 2 of the ATM gene, results from a C to G substitution at nucleotide position 133. The arginine at codon 45 is replaced by glycine, an amino acid with dissimilar properties. This amino acid position is not well conserved in available vertebrate species. In addition, this alteration is predicted to be tolerated by in silico analysis. Based on the available evidence, the clinical significance of this variant remains unclear.